The following is an entry in ClinVar:

NM_001369369.1(FOXN1):c.764G>A (p.Arg255Gln)

Gene: FOXN1 (forkhead box N1; plus strand). Cytogenetic location: 17q11.2.
Variant type: single nucleotide variant.
Coding change: c.764G>A on transcript NM_001369369.1 (MANE Select); coding-DNA position 764, G replaced by A.
Protein change: p.Arg255Gln; replaces arginine 255 with glutamine.
Molecular consequence: missense variant.
Genome position (GRCh38, 1-based): chr17:28,529,158, G>A. VCF-style: chr17-28529158-G-A. GRCh37 (hg19) VCF-style: chr17-26856176-G-A.
Other names: c.764G>A, p.Arg255Gln (NM_003593.3); short protein forms R255Q.
Identifiers: ClinVar variation 939940 (VCV000939940.4), dbSNP rs541713029, ClinGen allele CA8459335.
Genomic context (GRCh38, chr17:28,529,158, plus strand): 5'-CGCCAGGTGGTGGCAGCTACCCCATACCCTACCTGGGCTCCTCACACTATCAGTACCAGC[G>A]AATGGCACCCCAGGCCAGCACCGATGGGCACCAGCCTCTCTTCCCAAAACCCATCTATTC-3'
Protein context (NP_001356298.1, residues 245-265): YLGSSHYQYQ[Arg255Gln]MAPQASTDGH

ClinVar aggregate classification (germline): Uncertain significance (1 of 4 stars; one submission).

Conditions:
T-cell immunodeficiency, congenital alopecia, and nail dystrophy. Also called: Congenital alopecia and nail dystrophy associated with severe functional T-cell immunodeficiency; Pignata Guarino syndrome. Identifiers: Orphanet 169095, MedGen C1866426, MONDO:0011132, OMIM 601705.

Allele frequency attached by ClinVar (database versions not stated): gnomAD exomes below 0.00001; TOPMed below 0.00001; ExAC 0.00001; gnomAD 0.00001 and 0.00002; 1000 Genomes Project 30x 0.00016; 1000 Genomes Project 0.00020.
gnomAD v4.1: 18 of 1,614,142 alleles (0.0011%); highest among the groups gnomAD compares: Non-Finnish European, 0.0014%; no homozygotes.

Submission:

Labcorp Genetics (formerly Invitae), Labcorp
Classification: Uncertain significance for T-cell immunodeficiency, congenital alopecia, and nail dystrophy. Last evaluated: 2022-01-28. Review status: criteria provided, single submitter. Criteria: Invitae Variant Classification Sherloc (09022015). Collection method: clinical testing. Allele origin: germline.
Comment: This sequence change replaces arginine, which is basic and polar, with glutamine, which is neutral and polar, at codon 255 of the FOXN1 protein (p.Arg255Gln). This variant is present in population databases (rs541713029, gnomAD 0.002%). This variant has not been reported in the literature in individuals affected with FOXN1-related conditions. ClinVar contains an entry for this variant (Variation ID: 939940). Algorithms developed to predict the effect of missense changes on protein structure and function are either unavailable or do not agree on the potential impact of this missense change (SIFT: "Tolerated"; PolyPhen-2: "Possibly Damaging"; Align-GVGD: "Class C0"). In summary, the available evidence is currently insufficient to determine the role of this variant in disease. Therefore, it has been classified as a Variant of Uncertain Significance.